The following is an entry in ClinVar:

NM_000059.4(BRCA2):c.6215C>G (p.Ser2072Cys)

Gene: BRCA2 (BRCA2 DNA repair associated; plus strand). Cytogenetic location: 13q13.1.
Variant type: single nucleotide variant.
Coding change: c.6215C>G on transcript NM_000059.4 (MANE Select); coding-DNA position 6215, C replaced by G.
Protein change: p.Ser2072Cys; replaces serine 2072 with cysteine.
Molecular consequence: missense variant.
Genome position (GRCh38, 1-based): chr13:32,340,570, C>G. VCF-style: chr13-32340570-C-G. GRCh37 (hg19) VCF-style: chr13-32914707-C-G.
Other names: p.S2072C:TCC>TGC; p.Ser2072Cys; short protein forms S2072C.
Identifiers: ClinVar variation 38027 (VCV000038027.41), dbSNP rs80358862, ClinGen allele CA023758.

ClinVar aggregate classification (germline): Conflicting classifications of pathogenicity. Review status: criteria provided, conflicting classifications (1 of 4 stars). 17 submissions from 17 submitters: Uncertain significance (7); Likely benign (5). 5 of the submissions do not count toward it. Last evaluated 2026-04-06.

Conditions:
BRCA2-related cancer predisposition. Identifiers: MedGen CN377758, MONDO:0700269.
Breast and/or ovarian cancer. Identifiers: MedGen CN221562.
BRCA2-related disorder. Also called: BRCA2-related condition; BRCA2-related disorders. Identifiers: MedGen CN239275.
Hereditary cancer-predisposing syndrome. Also called: Hereditary neoplastic syndrome; Tumor predisposition; Hereditary Cancer Syndrome; Neoplastic Syndromes, Hereditary. Identifiers: Orphanet 140162, MedGen C0027672, MeSH D009386, MONDO:0015356.
Hereditary breast ovarian cancer syndrome. Also called: Breast and ovarian cancer; Hereditary breast and/or ovarian cancer syndrome; BRCA1- and BRCA2-Associated Hereditary Breast and Ovarian Cancer; Hereditary breast and ovarian cancer syndrome; Hereditary breast and ovarian cancer; Hereditary breast and ovarian cancer syndrome (HBOC). Identifiers: Orphanet 145, MedGen C0677776, MeSH D061325, MONDO:0003582. Disease mechanism: loss of function.
Breast-ovarian cancer, familial, susceptibility to, 2 (BROVCA2). Also called: BRCA2 Hereditary Breast and Ovarian Cancer. Identifiers: Orphanet 145, MedGen C2675520, MONDO:0012933, OMIM 612555. Disease mechanism: loss of function.

Allele frequency attached by ClinVar (database versions not stated): TOPMed 0.00004; gnomAD 0.00006.
gnomAD v4.1: 68 of 1,611,920 alleles (0.0042%); highest among the groups gnomAD compares: Non-Finnish European, 0.0052%; no homozygotes.

Submissions 1 to 9 of 17:

PreventionGenetics, part of Exact Sciences
Classification: Uncertain significance for BRCA2-related condition. Last evaluated: 2026-04-06. Review status: criteria provided, single submitter. Criteria: ACMG Guidelines, 2015. Collection method: clinical testing. Allele origin: germline.
Comment: The BRCA2 c.6215C>G variant is predicted to result in the amino acid substitution p.Ser2072Cys. This variant has been reported in individuals with personal and/or family histories of breast and ovarian cancers (see for example: Jakubowska et al. 2002. PubMed ID: 12373604; Table S2B, Caux-Moncoutier et al. 2011. PubMed ID: 21120943; Ruiz et al. 2014. PubMed ID: 25136594). It has also been reported in an individual with malignant peripheral nerve sheath tumors (MPNSTs) more commonly associated with NF1-related disease (Table S2B, Huang et al. 2018. PubMed ID: 29625052; see OMIM #162200). However, no functional studies have been performed to directly evaluate the pathogenicity of this variant, and it occurs within a region of the BRCA2 gene that is predicted to be tolerant to variation (Table 2, Dines et al. 2020. PubMed ID: 31911673). This variant is reported in 0.0054% of alleles in individuals of European (Non-Finnish) descent in gnomAD and has conflicting interpretations in ClinVar ranging from uncertain significance to likely benign (Variation ID: 38027). At this time, the clinical significance of this variant is uncertain due to the absence of conclusive functional and genetic evidence.

Labcorp Genetics (formerly Invitae), Labcorp
Classification: Likely benign for Hereditary breast ovarian cancer syndrome. Last evaluated: 2026-01-26. Review status: criteria provided, single submitter. Criteria: Invitae Variant Classification Sherloc (09022015). Collection method: clinical testing. Allele origin: germline.

Quest Diagnostics Nichols Institute San Juan Capistrano
Classification: Uncertain significance. Last evaluated: 2025-10-26. Review status: criteria provided, single submitter. Criteria: Quest Diagnostics criteria. Collection method: clinical testing. Allele origin: unknown.
Comment: The BRCA2 c.6215C>G (p.Ser2072Cys) variant has been reported in individuals with breast and/or ovarian cancer (PMID: 12373604 (2002), 25136594 (2014), 21120943 (2011), 33471991 (2021), see also LOVD). This variant has also been reported to be located in a region of the BRCA2 gene that is tolerant to missense sequence changes (PMID: 31911673 (2020)). The frequency of this variant in the general population (Genome Aggregation Database) is uninformative in the assessment of its pathogenicity. Analysis of this variant using bioinformatics tools for the prediction of the effect of amino acid changes on protein structure and function yielded predictions that this variant is damaging. Based on the available information, we are unable to determine the clinical significance of this variant.

Mayo Clinic Laboratories, Mayo Clinic
Classification: Likely benign. Last evaluated: 2025-08-22. Review status: criteria provided, single submitter. Criteria: ACMG Guidelines, 2015. Collection method: clinical testing. Allele origin: germline. Observed: 1 variant allele.
Comment: BS1_supporting, BP1_strong

Color Diagnostics, LLC DBA Color Health
Classification: Likely benign for Hereditary cancer-predisposing syndrome. Last evaluated: 2025-03-18. Review status: criteria provided, single submitter. Criteria: ACMG Guidelines, 2015. Collection method: clinical testing. Allele origin: germline.

All of Us Research Program, National Institutes of Health
Classification: Uncertain significance for BRCA2-related cancer predisposition. Last evaluated: 2024-08-06. Review status: criteria provided, single submitter. Criteria: ACMG Guidelines, 2015. Collection method: clinical testing. Allele origin: germline. Inheritance: Autosomal dominant inheritance. Observed: 10 variant alleles, 10 heterozygotes.
Comment: This missense variant replaces serine with cysteine at codon 2072 of the BRCA2 protein. Computational prediction is inconclusive regarding the impact of this variant on protein structure and function (internally defined REVEL score threshold 0.5 < inconclusive < 0.7, PMID: 27666373). To our knowledge, functional studies have not been reported for this variant. This variant has been reported in individuals affected with breast and ovarian cancer (PMID: 12373604, 25136594, 21120943, 33471991) and in individuals unaffected with cancer (PMID: 33471991). This variant also has been observed in at least two individuals affected with BRCA2-associated cancers with another pathogenic variant in BRCA2, suggesting that this variant may not be the cause of observed phenotype in these individuals (ClinVar SCV000072885.9, Color internal data). In a meta-analysis of breast cancer case-control study, this variant has been observed in 3/60463 cases and 3/53458 controls (OR=0.884; 95%CI [0.178 to 4.381]) (PMID: 33471991). This variant has been identified in 8/281176 chromosomes in the general population by the Genome Aggregation Database (gnomAD). The available evidence is insufficient to determine the role of this variant in disease conclusively. Therefore, this variant is classified as a Variant of Uncertain Significance.

This study involves interpretation of variants in research participants for the purpose of population health screening. Participant phenotype was not available at the time of variant classification. Additional details can be found in publication PMID: 35346344, PMCID: PMC8962531

Women's Health and Genetics/Laboratory Corporation of America, LabCorp
Classification: Uncertain significance. Last evaluated: 2024-02-12. Review status: criteria provided, single submitter. Criteria: LabCorp Variant Classification Summary - May 2015. Collection method: clinical testing. Allele origin: germline.
Comment: Variant summary: BRCA2 c.6215C>G (p.Ser2072Cys) results in a non-conservative amino acid change in the encoded protein sequence. Five of five in-silico tools predict a damaging effect of the variant on protein function. The variant allele was found at a frequency of 2e-05 in 251336 control chromosomes. The available data on variant occurrences in the general population are insufficient to allow any conclusion about variant significance. c.6215C>G has been reported in the literature in individuals affected with breast and/or ovarian cancer (e.g. Caux-Moncoutier_2011, Jakubowska_2002, Ruiz_2014, Coulet_2010, Konstantinopoulos_2021). These reports do not provide unequivocal conclusions about association of the variant with Hereditary Breast And Ovarian Cancer Syndrome. At least one co-occurrence with another pathogenic variant has been reported in the BIC database (BRCA1 c.1175_1214del, p.Leu392fs), providing supporting evidence for a benign role. To our knowledge, no experimental evidence demonstrating an impact on protein function has been reported. The following publications have been ascertained in the context of this evaluation (PMID: 12373604, 20858050, 21120943, 24728327, 25136594, 25348012, 34552099, 36451132, Wu et al._I.J. Engineering and Manufacturing_2011 (No PMID)). ClinVar contains an entry for this variant (Variation ID: 38027). Based on the evidence outlined above, the variant was classified as uncertain significance.

Ambry Genetics
Classification: Uncertain significance for Hereditary cancer-predisposing syndrome. Last evaluated: 2024-01-29. Review status: criteria provided, single submitter. Criteria: Ambry Variant Classification Scheme 2023. Collection method: clinical testing. Allele origin: germline.
Comment: The p.S2072C variant (also known as c.6215C>G), located in coding exon 10 of the BRCA2 gene, results from a C to G substitution at nucleotide position 6215. The serine at codon 2072 is replaced by cysteine, an amino acid with dissimilar properties. This variant was also identified in a cohort of 681 ancestrally diverse, healthy subjects (Bodian DL et al. PLoS One. 2014 Apr;9(4):e94554). In addition, this alteration was cited as likely benign in a multifactorial model of variant interpretation that incorporates co-segregation, family history, co-occurrence and tumor pathology and case-control data (Parsons MT et al. Hum Mutat, 2019 09;40:1557-1578). This amino acid position is poorly conserved in available vertebrate species. In addition, this alteration is predicted to be deleterious by in silico analysis. Since supporting evidence is limited at this time, the clinical significance of this alteration remains unclear.

University of Washington Department of Laboratory Medicine, University of Washington
Classification: Likely benign for Hereditary cancer-predisposing syndrome. Last evaluated: 2023-03-23. Review status: criteria provided, single submitter. Criteria: Dines et al. (Genet Med. 2020). Collection method: curation. Allele origin: germline.
Comment: Missense variant in a coldspot region where missense variants are very unlikely to be pathogenic (PMID:31911673).

BRCA2 exon 11 coldspot. Reclassification based on statistical prior probability.